The following is an entry in ClinVar:

ClinVar aggregate classification (germline): Pathogenic (1 of 4 stars; one submission).

Conditions:
Marfan syndrome (MFS). Also called: Marfan syndrome type 1; Marfan's syndrome; FBN1-Related Marfan Syndrome; MARFAN SYNDROME, TYPE I; Marfan syndrome, classic. Identifiers: Orphanet 284963, Orphanet 558, MedGen C0024796, MONDO:0007947, OMIM 154700.

Submission:

Centre of Medical Genetics, University of Antwerp
Classification: Pathogenic for Marfan syndrome. Last evaluated: 2021-03-01. Review status: criteria provided, single submitter. Criteria: Submitter's publication. Collection method: research. Allele origin: unknown. Affected: yes.
Comment: PM2, PVS1, PP4

NM_000138.5(FBN1):c.8009del (p.Tyr2670fs)

Gene: FBN1 (fibrillin 1; minus strand). Cytogenetic location: 15q21.1.
Variant type: Deletion.
Coding change: c.8009del on transcript NM_000138.5 (MANE Select); coding-DNA position 8009, one base deleted (A; older notation c.8009delA).
Protein change: p.Tyr2670fs; shifts the reading frame from tyrosine 2670.
Molecular consequence: frameshift variant.
Genome position (GRCh38, 1-based): chr15:48,415,578, T deleted on the plus strand (A on the coding strand, the reverse complement: FBN1 is on the minus strand). VCF-style (leftmost placement, unchanged base first): chr15-48415577-GT-G. GRCh37 (hg19) VCF-style: chr15-48707774-GT-G.
Other names: c.8009delA, p.Tyr2670Serfs (NM_000138.4); c.8009del, p.Tyr2670fs (NM_001406716.1); short protein forms Y2670fs.
Identifiers: ClinVar variation 1325457 (VCV001325457.2), dbSNP rs2141214634, ClinGen allele CA2573150948.
Genomic context (GRCh38, chr15:48,415,577, plus strand): 5'-CAGGAAGAGCACTGCTTACCCTTGGCCTATGCGGAAGTAACCAGGTGGACAGCCACACAG[GT>G]AACCGCCCTCGGTATTGGAACAGCCATAGCTGCAGGGGGCCTGCGCAGAGCCACATTCAT-3'